The following is an entry in ClinVar:

NM_002546.4(TNFRSF11B):c.596T>C (p.Val199Ala)

Gene: TNFRSF11B (TNF receptor superfamily member 11b; minus strand). Cytogenetic location: 8q24.12.
Variant type: single nucleotide variant.
Coding change: c.596T>C on transcript NM_002546.4 (MANE Select); coding-DNA position 596, T replaced by C.
Protein change: p.Val199Ala; replaces valine 199 with alanine.
Molecular consequence: missense variant.
Genome position (GRCh38, 1-based): chr8:118,926,715, A>G on the plus strand (T>C on the coding strand, the complement: TNFRSF11B is on the minus strand). VCF-style: chr8-118926715-A-G. GRCh37 (hg19) VCF-style: chr8-119938954-A-G.
Other names: short protein forms V199A.
Identifiers: ClinVar variation 4777173 (VCV004777173.1).

ClinVar aggregate classification (germline): Uncertain significance (1 of 4 stars; one submission).

gnomAD v4.1: 2 of 1,613,274 alleles (0.00012%); highest among the groups gnomAD compares: Non-Finnish European, 0.00017%; no homozygotes.

Submission:

Labcorp Genetics (formerly Invitae), Labcorp
Classification: Uncertain significance. Last evaluated: 2025-03-13. Review status: criteria provided, single submitter. Criteria: Invitae Variant Classification Sherloc (09022015). Collection method: clinical testing. Allele origin: germline.
Comment: This sequence change replaces valine, which is neutral and non-polar, with alanine, which is neutral and non-polar, at codon 199 of the TNFRSF11B protein (p.Val199Ala). This variant is not present in population databases (gnomAD no frequency). This variant has not been reported in the literature in individuals affected with TNFRSF11B-related conditions. Invitae Evidence Modeling of protein sequence and biophysical properties (such as structural, functional, and spatial information, amino acid conservation, physicochemical variation, residue mobility, and thermodynamic stability) indicates that this missense variant is not expected to disrupt TNFRSF11B protein function with a negative predictive value of 80%. In summary, the available evidence is currently insufficient to determine the role of this variant in disease. Therefore, it has been classified as a Variant of Uncertain Significance.